The following is an entry in ClinVar:

ClinVar aggregate classification (germline): Uncertain significance (1 of 4 stars; one submission).

Conditions:
Bethlem myopathy 1A. Also called: Bethlem myopathy 1; MYOPATHY, BENIGN CONGENITAL, WITH CONTRACTURES; Bethlem Muscular Dystrophy. Identifiers: Orphanet 610, MedGen CN029274, MONDO:0024530, OMIM 158810.

Submission:

Labcorp Genetics (formerly Invitae), Labcorp
Classification: Uncertain significance for Bethlem myopathy 1A. Last evaluated: 2019-05-08. Review status: criteria provided, single submitter. Criteria: Invitae Variant Classification Sherloc (09022015). Collection method: clinical testing. Allele origin: germline.
Comment: This sequence change replaces valine with phenylalanine at codon 2032 of the COL6A3 protein (p.Val2032Phe). The valine residue is highly conserved and there is a small physicochemical difference between valine and phenylalanine. This variant is not present in population databases (ExAC no frequency). This variant has not been reported in the literature in individuals with COL6A3-related disease. Algorithms developed to predict the effect of missense changes on protein structure and function do not agree on the potential impact of this missense change (SIFT: "Tolerated"; PolyPhen-2: "Probably Damaging"; Align-GVGD: "Class C0"). In summary, the available evidence is currently insufficient to determine the role of this variant in disease. Therefore, it has been classified as a Variant of Uncertain Significance.

NM_004369.4(COL6A3):c.6094G>T (p.Val2032Phe)

Gene: COL6A3 (collagen type VI alpha 3 chain; minus strand). Cytogenetic location: 2q37.3.
Variant type: single nucleotide variant.
Coding change: c.6094G>T on transcript NM_004369.4 (MANE Select); coding-DNA position 6094, G replaced by T.
Protein change: p.Val2032Phe; replaces valine 2032 with phenylalanine.
Molecular consequence: missense variant.
Genome position (GRCh38, 1-based): chr2:237,361,801, C>A on the plus strand (G>T on the coding strand, the complement: COL6A3 is on the minus strand). VCF-style: chr2-237361801-C-A. GRCh37 (hg19) VCF-style: chr2-238270444-C-A.
Other names: c.4273G>T, p.Val1425Phe (NM_057166.5); c.5476G>T, p.Val1826Phe (NM_057167.4); short protein forms V2032F, V1425F, V1826F.
Identifiers: ClinVar variation 579813 (VCV000579813.11), dbSNP rs1316305394, ClinGen allele CA351217888.